The following is an entry in ClinVar:

NM_020061.6(OPN1LW):c.764_765del (p.Glu255fs)

Gene: OPN1LW (opsin 1, long wave sensitive; plus strand). Cytogenetic location: Xq28.
Variant type: Microsatellite.
Coding change: c.764_765del on transcript NM_020061.6 (MANE Select); coding-DNA positions 764 to 765, 2 bases deleted (AG; older notation c.764_765delAG).
Protein change: p.Glu255fs; shifts the reading frame from glutamic acid 255.
Molecular consequence: frameshift variant.
Genome position (GRCh38, 1-based): chrX:154,156,313-154,156,314, AG deleted; deleting any 2 consecutive bases within chrX:154,156,311-154,156,314 gives the same sequence; the c. name uses the placement nearest the transcript's 3' end. VCF-style (leftmost placement, unchanged base first): chrX-154156310-AAG-A. GRCh37 (hg19) VCF-style: chrX-153421785-AAG-A.
Other names: short protein forms E255fs.
Identifiers: ClinVar variation 2671886 (VCV002671886.2), dbSNP rs2522587785, ClinGen allele CA2695197189.

ClinVar aggregate classification (germline): Likely pathogenic (1 of 4 stars; one submission).

Conditions:
Protan defect (CBP). Also called: Red color blindness; COLORBLINDNESS, PROTAN; Red colorblindness; COLORBLINDNESS, PARTIAL, PROTAN SERIES. Identifiers: MedGen C0155015, MONDO:0010565, OMIM 303900.

Submission:

Institute of Human Genetics, University of Goettingen
Classification: Likely pathogenic for Protan defect. Last evaluated: 2023-12-14. Review status: criteria provided, single submitter. Criteria: ACMG Guidelines, 2015. Collection method: clinical testing. Allele origin: unknown. Inheritance: X-linked inheritance. Affected: yes. Observed: 1 hemizygote.
Comment: The OPN1LW-Variant c.764_765del is classified by our institute as pathogenic as it is not present any database and is expected to result in a truncated protein.